The following is an entry in ClinVar:

NM_000059.4(BRCA2):c.9857T>A (p.Ile3286Asn)

Gene: BRCA2 (BRCA2 DNA repair associated; plus strand). Cytogenetic location: 13q13.1.
Variant type: single nucleotide variant.
Coding change: c.9857T>A on transcript NM_000059.4 (MANE Select); coding-DNA position 9857, T replaced by A.
Protein change: p.Ile3286Asn; replaces isoleucine 3286 with asparagine.
Molecular consequence: missense variant.
Genome position (GRCh38, 1-based): chr13:32,398,370, T>A. VCF-style: chr13-32398370-T-A. GRCh37 (hg19) VCF-style: chr13-32972507-T-A.
Other names: 10085T>A; short protein forms I3286N.
Identifiers: ClinVar variation 91536 (VCV000091536.21), dbSNP rs398122624, ClinGen allele CA026315.
Genomic context (GRCh38, chr13:32,398,370, plus strand): 5'-AAAAGAGAAGAGCCTTGGATTTCTTGAGTAGACTGCCTTTACCTCCACCTGTTAGTCCCA[T>A]TTGTACATTTGTTTCTCCGGCTGCACAGAAGGCATTTCAGCCACCAAGGAGTTGTGGCAC-3'
Protein context (NP_000050.3, residues 3276-3296): RLPLPPPVSP[Ile3286Asn]CTFVSPAAQK

ClinVar aggregate classification (germline): Conflicting classifications of pathogenicity. Review status: criteria provided, conflicting classifications (1 of 4 stars). 7 submissions from 7 submitters: Uncertain significance (4); Likely benign (2). 1 of the submissions does not count toward it. Last evaluated 2025-11-25.

Conditions:
Hereditary breast ovarian cancer syndrome. Also called: Breast and ovarian cancer; Hereditary breast and ovarian cancer; Hereditary breast and ovarian cancer syndrome; BRCA1- and BRCA2-Associated Hereditary Breast and Ovarian Cancer; Hereditary breast and ovarian cancer syndrome (HBOC); Hereditary breast and/or ovarian cancer syndrome. Identifiers: Orphanet 145, MedGen C0677776, MeSH D061325, MONDO:0003582. Disease mechanism: loss of function.
Hereditary cancer-predisposing syndrome. Also called: Tumor predisposition; Hereditary Cancer Syndrome; Neoplastic Syndromes, Hereditary; Hereditary neoplastic syndrome. Identifiers: Orphanet 140162, MedGen C0027672, MeSH D009386, MONDO:0015356.
Familial cancer of breast. Also called: BREAST CANCER, FAMILIAL; hereditary breast carcinoma; Hereditary breast cancer. Identifiers: Orphanet 227535, MedGen C0346153, MONDO:0016419, OMIM 114480. Disease mechanism: loss of function.
Breast-ovarian cancer, familial, susceptibility to, 2 (BROVCA2). Also called: BRCA2 Hereditary Breast and Ovarian Cancer. Identifiers: Orphanet 145, MedGen C2675520, MONDO:0012933, OMIM 612555. Disease mechanism: loss of function.

Submissions (7):

Color Diagnostics, LLC DBA Color Health
Classification: Likely benign for Hereditary cancer-predisposing syndrome. Last evaluated: 2025-11-25. Review status: criteria provided, single submitter. Criteria: ACMG Guidelines, 2015. Collection method: clinical testing. Allele origin: germline.

Labcorp Genetics (formerly Invitae), Labcorp
Classification: Likely benign for Hereditary breast ovarian cancer syndrome. Last evaluated: 2025-09-24. Review status: criteria provided, single submitter. Criteria: Invitae Variant Classification Sherloc (09022015). Collection method: clinical testing. Allele origin: germline.

Ambry Genetics
Classification: Uncertain significance for Hereditary cancer-predisposing syndrome. Last evaluated: 2024-05-15. Review status: criteria provided, single submitter. Criteria: Ambry Variant Classification Scheme 2023. Collection method: clinical testing. Allele origin: germline.
Comment: The p.I3286N variant (also known as c.9857T>A), located in coding exon 26 of the BRCA2 gene, results from a T to A substitution at nucleotide position 9857. The isoleucine at codon 3286 is replaced by asparagine, an amino acid with dissimilar properties. This alteration has been detected in 1/2575 unselected patients with breast cancer and 0/2809 healthy control individuals from a Malaysian cohort (Wen WX et al. J Med Genet, 2018 02;55:97-103). This amino acid position is not well conserved in available vertebrate species. In addition, this alteration is predicted to be tolerated by in silico analysis. Since supporting evidence is limited at this time, the clinical significance of this alteration remains unclear.

GeneDx
Classification: Uncertain significance. Last evaluated: 2024-04-25. Review status: criteria provided, single submitter. Criteria: GeneDx Variant Classification Process June 2021. Collection method: clinical testing. Allele origin: germline. Affected: yes.
Comment: Published functional studies demonstrate lack of sensitivity to PARP inhibitors (PMID: 32444794); Not observed at significant frequency in large population cohorts (gnomAD); In silico analysis indicates that this missense variant does not alter protein structure/function; Also known as 10085T>A; This variant is associated with the following publications: (PMID: 28993434, 33471991, 31853058, 32444794, 29884841, 32377563)

All of Us Research Program, National Institutes of Health
Classification: Uncertain significance for Breast-ovarian cancer, familial, susceptibility to, 2. Last evaluated: 2023-11-02. Review status: criteria provided, single submitter. Criteria: ACMG Guidelines, 2015. Collection method: clinical testing. Allele origin: germline. Inheritance: Autosomal dominant inheritance. Observed: 1 variant allele, 1 heterozygote.
Comment: This missense variant replaces isoleucine with asparagine at codon 3286 of the BRCA2 protein. Computational prediction suggests that this variant may not impact protein structure and function (internally defined REVEL score threshold <= 0.5, PMID: 27666373). A functional study has shown that this variant does not impact sensitivity to PARP inhibitors (PMID: 32444794). This variant has been reported in at least two individuals affected with breast cancer (PMID: 28993434, 33471991; Leiden Open Variation Database DB-ID BRCA2_008801). This variant has not been identified in the general population by the Genome Aggregation Database (gnomAD). The available evidence is insufficient to determine the role of this variant in disease conclusively. Therefore, this variant is classified as a Variant of Uncertain Significance.

This study involves interpretation of variants in research participants for the purpose of population health screening. Participant phenotype was not available at the time of variant classification. Additional details can be found in publication PMID: 35346344, PMCID: PMC8962531

Baylor Genetics
Classification: Uncertain significance for Familial cancer of breast. Last evaluated: 2023-05-19. Review status: criteria provided, single submitter. Criteria: ACMG Guidelines, 2015. Collection method: clinical testing. Allele origin: unknown.

Sharing Clinical Reports Project (SCRP)
Classification: Uncertain significance for Breast-ovarian cancer, familial 2. Last evaluated: 2011-10-28. Review status: no assertion criteria provided. Collection method: clinical testing. Allele origin: germline. Not counted in ClinVar's aggregate classification.

Literature cited by the submitters: PubMed 28993434 (cited by Ambry Genetics and All of Us Research Program, National Institutes of Health); PubMed 32444794 (cited by All of Us Research Program, National Institutes of Health); PubMed 33471991 (cited by All of Us Research Program, National Institutes of Health).